The following is an entry in ClinVar:

NM_000219.6(KCNE1):c.295G>A (p.Val99Ile)

Gene: KCNE1 (potassium voltage-gated channel subfamily E regulatory subunit 1; minus strand). Cytogenetic location: 21q22.12.
Variant type: single nucleotide variant.
Coding change: c.295G>A on transcript NM_000219.6 (MANE Select); coding-DNA position 295, G replaced by A.
Protein change: p.Val99Ile; replaces valine 99 with isoleucine.
Molecular consequence: missense variant.
Genome position (GRCh38, 1-based): chr21:34,449,340, C>T on the plus strand (G>A on the coding strand, the complement: KCNE1 is on the minus strand). VCF-style: chr21-34449340-C-T. GRCh37 (hg19) VCF-style: chr21-35821638-C-T.
Other names: c.295G>A, p.Val99Ile (NM_001127668.4, NM_001127669.4, NM_001127670.4 and 4 more transcripts); short protein forms V99I.
Identifiers: ClinVar variation 3374558 (VCV003374558.2).

Conditions:
Long QT syndrome 5 (LQT5). Identifiers: Orphanet 101016, Orphanet 768, MedGen C1867904, MONDO:0013372, OMIM 613695.

Submission:

Roden Lab, Vanderbilt University Medical Center
No classification provided (evidence only). Condition: Long QT syndrome 5. Review status: no classification provided. Collection method: in vitro. Allele origin: not applicable. Functional consequence: Effect on ion channel function.
ClinVar note: "not provided" was previously submitted as the classification for the variant. However, the classification appeared to be based only on an observation of functional data so it was converted to no classification on 2025-07-30.